The following is an entry in ClinVar:

ClinVar aggregate classification (germline): Uncertain significance (1 of 4 stars; one submission).

Conditions:
Inborn genetic diseases. Identifiers: MedGen C0950123, MeSH D030342.

Submission:

Ambry Genetics
Classification: Uncertain significance for Inborn genetic diseases. Last evaluated: 2024-10-15. Review status: criteria provided, single submitter. Criteria: Ambry Variant Classification Scheme 2023. Collection method: clinical testing. Allele origin: germline.
Comment: The p.E500A variant (also known as c.1499A>C), located in coding exon 12 of the FANCG gene, results from an A to C substitution at nucleotide position 1499. The glutamic acid at codon 500 is replaced by alanine, an amino acid with dissimilar properties. This amino acid position is conserved. In addition, this alteration is predicted to be tolerated by in silico analysis. Based on the available evidence, the clinical significance of this variant remains unclear.

NM_004629.2(FANCG):c.1499A>C (p.Glu500Ala)

Gene: FANCG (FA complementation group G; minus strand). Cytogenetic location: 9p13.3.
Variant type: single nucleotide variant.
Coding change: c.1499A>C on transcript NM_004629.2 (MANE Select); coding-DNA position 1499, A replaced by C.
Protein change: p.Glu500Ala; replaces glutamic acid 500 with alanine.
Molecular consequence: missense variant.
Genome position (GRCh38, 1-based): chr9:35,075,064, T>G on the plus strand (A>C on the coding strand, the complement: FANCG is on the minus strand). VCF-style: chr9-35075064-T-G. GRCh37 (hg19) VCF-style: chr9-35075061-T-G.
Other names: short protein forms E500A.
Identifiers: ClinVar variation 3512830 (VCV003512830.1).